The following is an entry in ClinVar:

ClinVar aggregate classification (germline): Uncertain significance (1 of 4 stars; one submission).

Allele frequency attached by ClinVar (database versions not stated): gnomAD exomes below 0.00001.
gnomAD v4.1: 1 of 1,614,118 alleles (0.000062%); highest among the groups gnomAD compares: Non-Finnish European, 0.000085%; no homozygotes.

Submission:

Labcorp Genetics (formerly Invitae), Labcorp
Classification: Uncertain significance. Last evaluated: 2023-12-02. Review status: criteria provided, single submitter. Criteria: Invitae Variant Classification Sherloc (09022015). Collection method: clinical testing. Allele origin: germline.
Comment: This sequence change affects codon 293 of the ANKZF1 mRNA. It is a 'silent' change, meaning that it does not change the encoded amino acid sequence of the ANKZF1 protein. This variant is not present in population databases (gnomAD no frequency). This variant has not been reported in the literature in individuals affected with ANKZF1-related conditions. Algorithms developed to predict the effect of sequence changes on RNA splicing suggest that this variant may create or strengthen a splice site. In summary, the available evidence is currently insufficient to determine the role of this variant in disease. Therefore, it has been classified as a Variant of Uncertain Significance.

NM_018089.3(ANKZF1):c.879A>G (p.Thr293=)

Gene: ANKZF1 (ankyrin repeat and zinc finger peptidyl tRNA hydrolase 1; plus strand). Cytogenetic location: 2q35.
Variant type: single nucleotide variant.
Coding change: c.879A>G on transcript NM_018089.3 (MANE Select); coding-DNA position 879, A replaced by G.
Protein change: p.Thr293=; no amino-acid change (threonine 293 retained).
Molecular consequence: synonymous variant.
Genome position (GRCh38, 1-based): chr2:219,233,774, A>G. VCF-style: chr2-219233774-A-G. GRCh37 (hg19) VCF-style: chr2-220098496-A-G.
Other names: c.879A>G, p.Thr293= (NM_001042410.2); c.249A>G, p.Thr83= (NM_001282792.2).
Identifiers: ClinVar variation 2831724 (VCV002831724.3), dbSNP rs2544920798, ClinGen allele CA431424351.